The following is an entry in ClinVar:

ClinVar aggregate classification (germline): Uncertain significance (1 of 4 stars; one submission).

Conditions:
Acyl-CoA oxidase deficiency. Also called: Peroxisomal acyl-CoA oxidase deficiency; STRAIGHT-CHAIN ACYL-CoA OXIDASE DEFICIENCY; Pseudoneonatal adrenoleukodystrophy. Identifiers: Orphanet 2971, MedGen C1849678, MONDO:0009919, OMIM 264470. Disease mechanism: loss of function.

Submission:

Labcorp Genetics (formerly Invitae), Labcorp
Classification: Uncertain significance for Acyl-CoA oxidase deficiency. Last evaluated: 2023-09-19. Review status: criteria provided, single submitter. Criteria: Invitae Variant Classification Sherloc (09022015). Collection method: clinical testing. Allele origin: germline.
Comment: This sequence change replaces threonine, which is neutral and polar, with lysine, which is basic and polar, at codon 155 of the ACOX1 protein (p.Thr155Lys). This variant is not present in population databases (gnomAD no frequency). This variant has not been reported in the literature in individuals affected with ACOX1-related conditions. Advanced modeling of protein sequence and biophysical properties (such as structural, functional, and spatial information, amino acid conservation, physicochemical variation, residue mobility, and thermodynamic stability) has been performed at Invitae for this missense variant, however the output from this modeling did not meet the statistical confidence thresholds required to predict the impact of this variant on ACOX1 protein function. In summary, the available evidence is currently insufficient to determine the role of this variant in disease. Therefore, it has been classified as a Variant of Uncertain Significance.

NM_004035.7(ACOX1):c.464C>A (p.Thr155Lys)

Gene: ACOX1 (acyl-CoA oxidase 1; minus strand). Cytogenetic location: 17q25.1.
Variant type: single nucleotide variant.
Coding change: c.464C>A on transcript NM_004035.7 (MANE Select); coding-DNA position 464, C replaced by A.
Protein change: p.Thr155Lys; replaces threonine 155 with lysine.
Molecular consequence: missense variant.
Genome position (GRCh38, 1-based): chr17:75,957,533, G>T on the plus strand (C>A on the coding strand, the complement: ACOX1 is on the minus strand). VCF-style: chr17-75957533-G-T. GRCh37 (hg19) VCF-style: chr17-73953614-G-T.
Other names: c.350C>A, p.Thr117Lys (NM_001185039.2); c.464C>A, p.Thr155Lys (NM_007292.6); short protein forms T117K, T155K.
Identifiers: ClinVar variation 2997045 (VCV002997045.3), dbSNP rs200171541, ClinGen allele CA401069276.